The following is an entry in ClinVar:

NM_000318.3(PEX2):c.78_80del (p.Asn26del)

Gene: PEX2 (peroxisomal biogenesis factor 2; minus strand). Cytogenetic location: 8q21.13.
Variant type: Deletion.
Coding change: c.78_80del on transcript NM_000318.3 (MANE Select); coding-DNA positions 78 to 80, 3 bases deleted (CAA; older notation c.78_80delCAA).
Protein change: p.Asn26del; deletes asparagine 26.
Molecular consequence: inframe deletion.
Genome position (GRCh38, 1-based): chr8:76,984,099-76,984,101, TTG deleted on the plus strand (CAA on the coding strand, the reverse complement: PEX2 is on the minus strand); deleting any 3 consecutive bases within chr8:76,984,099-76,984,103 gives the same sequence; the c. name uses the placement nearest the transcript's 3' end. VCF-style (leftmost placement, unchanged base first): chr8-76984098-CTTG-C. GRCh37 (hg19) VCF-style: chr8-77896334-CTTG-C.
Other names: c.78_80del, p.Asn26del (NM_001079867.2, NM_001172086.2, NM_001172087.2); short protein forms N26del.
Identifiers: ClinVar variation 963365 (VCV000963365.7), dbSNP rs1806932884, ClinGen allele CA1139660615.

ClinVar aggregate classification (germline): Uncertain significance (1 of 4 stars; one submission).

Conditions:
Peroxisome biogenesis disorder 5A (Zellweger) (PBD5A). Identifiers: Orphanet 912, MedGen C3553940, MONDO:0013932, OMIM 614866.

Submission:

Labcorp Genetics (formerly Invitae), Labcorp
Classification: Uncertain significance for Peroxisome biogenesis disorder 5A (Zellweger). Last evaluated: 2022-10-25. Review status: criteria provided, single submitter. Criteria: Invitae Variant Classification Sherloc (09022015). Collection method: clinical testing. Allele origin: germline.
Comment: This variant, c.78_80del, results in the deletion of 1 amino acid(s) of the PEX2 protein (p.Asn26del), but otherwise preserves the integrity of the reading frame. This variant is not present in population databases (gnomAD no frequency). This variant has not been reported in the literature in individuals affected with PEX2-related conditions. ClinVar contains an entry for this variant (Variation ID: 963365). Experimental studies and prediction algorithms are not available or were not evaluated, and the functional significance of this variant is currently unknown. In summary, the available evidence is currently insufficient to determine the role of this variant in disease. Therefore, it has been classified as a Variant of Uncertain Significance.